The following is an entry in ClinVar:

NM_024301.5(FKRP):c.1240C>A (p.His414Asn)

Gene: FKRP (fukutin related protein; plus strand). Cytogenetic location: 19q13.32.
Variant type: single nucleotide variant.
Coding change: c.1240C>A on transcript NM_024301.5 (MANE Select); coding-DNA position 1240, C replaced by A.
Protein change: p.His414Asn; replaces histidine 414 with asparagine.
Molecular consequence: missense variant.
Genome position (GRCh38, 1-based): chr19:46,756,690, C>A. VCF-style: chr19-46756690-C-A. GRCh37 (hg19) VCF-style: chr19-47259947-C-A.
Other names: c.1240C>A, p.His414Asn (NM_001039885.3); short protein forms H414N.
Identifiers: ClinVar variation 1040102 (VCV001040102.8), dbSNP rs2054934982, ClinGen allele CA406496950.

ClinVar aggregate classification (germline): Uncertain significance (1 of 4 stars; one submission).

Conditions:
Walker-Warburg congenital muscular dystrophy. Also called: Muscular dystrophy-dystroglycanopathy, type A; Walker-Warburg syndrome. Identifiers: Orphanet 899, MedGen C0265221, MONDO:0000171.

Allele frequency attached by ClinVar (database versions not stated): gnomAD exomes below 0.00001.

Submission:

Labcorp Genetics (formerly Invitae), Labcorp
Classification: Uncertain significance for Walker-Warburg congenital muscular dystrophy. Last evaluated: 2020-07-08. Review status: criteria provided, single submitter. Criteria: Invitae Variant Classification Sherloc (09022015). Collection method: clinical testing. Allele origin: germline.
Comment: This sequence change replaces histidine with asparagine at codon 414 of the FKRP protein (p.His414Asn). The histidine residue is highly conserved and there is a small physicochemical difference between histidine and asparagine. This variant is not present in population databases (ExAC no frequency). This variant has not been reported in the literature in individuals with FKRP-related conditions. Algorithms developed to predict the effect of missense changes on protein structure and function are either unavailable or do not agree on the potential impact of this missense change (SIFT: "Tolerated"; PolyPhen-2: "Probably Damaging"; Align-GVGD: "Class C0"). In summary, the available evidence is currently insufficient to determine the role of this variant in disease. Therefore, it has been classified as a Variant of Uncertain Significance.